The following is an entry in ClinVar:

ClinVar aggregate classification (germline): Uncertain significance. Review status: criteria provided, multiple submitters, no conflicts (2 of 4 stars). 2 submissions from 2 submitters: Uncertain significance (2). Last evaluated 2025-05-27.

Conditions:
Hereditary cancer-predisposing syndrome. Also called: Hereditary Cancer Syndrome; Tumor predisposition; Hereditary neoplastic syndrome; Neoplastic Syndromes, Hereditary. Identifiers: Orphanet 140162, MedGen C0027672, MeSH D009386, MONDO:0015356.

Allele frequency attached by ClinVar (database versions not stated): gnomAD exomes below 0.00001.
gnomAD v4.1: 5 of 1,613,920 alleles (0.00031%); highest among the groups gnomAD compares: Non-Finnish European, 0.00042%; no homozygotes.

Submissions (2):

Ambry Genetics
Classification: Uncertain significance for Hereditary cancer-predisposing syndrome. Last evaluated: 2025-05-27. Review status: criteria provided, single submitter. Criteria: Ambry Variant Classification Scheme 2023. Collection method: clinical testing. Allele origin: germline.
Comment: The p.R52T variant (also known as c.155G>C), located in coding exon 2 of the CTNNA1 gene, results from a G to C substitution at nucleotide position 155. The arginine at codon 52 is replaced by threonine, an amino acid with similar properties. This amino acid position is conserved. In addition, this alteration is predicted to be tolerated by in silico analysis. Based on the available evidence, the clinical significance of this variant remains unclear.

Labcorp Genetics (formerly Invitae), Labcorp
Classification: Uncertain significance. Last evaluated: 2023-06-21. Review status: criteria provided, single submitter. Criteria: Invitae Variant Classification Sherloc (09022015). Collection method: clinical testing. Allele origin: germline.
Comment: This variant has not been reported in the literature in individuals affected with CTNNA1-related conditions. This variant is not present in population databases (gnomAD no frequency). This sequence change replaces arginine, which is basic and polar, with threonine, which is neutral and polar, at codon 52 of the CTNNA1 protein (p.Arg52Thr). ClinVar contains an entry for this variant (Variation ID: 1047049). Advanced modeling of protein sequence and biophysical properties (such as structural, functional, and spatial information, amino acid conservation, physicochemical variation, residue mobility, and thermodynamic stability) performed at Invitae indicates that this missense variant is expected to disrupt CTNNA1 protein function. In summary, the available evidence is currently insufficient to determine the role of this variant in disease. Therefore, it has been classified as a Variant of Uncertain Significance.

NM_001903.5(CTNNA1):c.155G>C (p.Arg52Thr)

Gene: CTNNA1 (catenin alpha 1; plus strand). Cytogenetic location: 5q31.2.
Variant type: single nucleotide variant.
Coding change: c.155G>C on transcript NM_001903.5 (MANE Select); coding-DNA position 155, G replaced by C.
Protein change: p.Arg52Thr; replaces arginine 52 with threonine.
Molecular consequence: missense variant. On other transcripts: 5 prime UTR variant (1), intron variant (1).
Genome position (GRCh38, 1-based): chr5:138,783,226, G>C. VCF-style: chr5-138783226-G-C. GRCh37 (hg19) VCF-style: chr5-138118915-G-C.
Other names: c.155G>C, p.Arg52Thr (NM_001290307.3, NM_001323982.2, NM_001323983.1 and 3 more transcripts); c.-52G>C (NM_001290310.3); c.-9+1197G>C (NM_001290309.3); c.155G>C (NM_001903.2); short protein forms R52T.
Identifiers: ClinVar variation 1047049 (VCV001047049.9), dbSNP rs1755328766, ClinGen allele CA361477367.
Genomic context (GRCh38, chr5:138,783,226, plus strand): 5'-GAAACTTTTAGGTTACAACCCTTGTAAACACCAATAGTAAAGGGCCCTCTAATAAGAAGA[G>C]AGGTCGTTCTAAGAAGGCCCATGTTTTGGCTGCATCTGTTGAACAAGCAACTGAGAATTT-3'
Protein context (NP_001894.2, residues 42-62): TNSKGPSNKK[Arg52Thr]GRSKKAHVLA